The following is an entry in ClinVar:

NM_000077.5(CDKN2A):c.328_329insA (p.Trp110Ter)

Gene: CDKN2A (cyclin dependent kinase inhibitor 2A; minus strand). Cytogenetic location: 9p21.3.
Variant type: Insertion.
Coding change: c.328_329insA on transcript NM_000077.5; coding-DNA positions 328 to 329, A inserted.
Protein change: p.Trp110Ter; replaces tryptophan 110 with a stop codon.
Molecular consequence: frameshift variant, nonsense (on NM_000077.6). On other transcripts: 3 prime UTR variant (1).
Genome position: GRCh38 VCF-style: chr9-21971030-C-CT. GRCh37 (hg19) VCF-style: chr9-21971029-C-CT.
Other names: c.328_329insA, p.Trp110Terfs (NM_000077.6); c.328_329insA, p.Trp110Ter (NM_001195132.2); c.175_176insA, p.Trp59Ter (NM_001363763.2); c.371_372insA, p.Pro126fs (NM_058195.4); c.*251_*252insA (NM_058197.5); short protein forms P126fs, W110*, W59*.
Identifiers: ClinVar variation 4224785 (VCV004224785.1).

ClinVar aggregate classification (germline): Pathogenic (1 of 4 stars; one submission).

Conditions:
Hereditary cancer-predisposing syndrome. Also called: Neoplastic Syndromes, Hereditary; Tumor predisposition; Hereditary neoplastic syndrome; Hereditary Cancer Syndrome. Identifiers: Orphanet 140162, MedGen C0027672, MeSH D009386, MONDO:0015356.

Submission:

Ambry Genetics
Classification: Pathogenic for Hereditary cancer-predisposing syndrome. Last evaluated: 2025-08-26. Review status: criteria provided, single submitter. Criteria: Ambry Variant Classification Scheme 2023. Collection method: clinical testing. Allele origin: germline.
Comment: The c.328_329insA pathogenic mutation, located in coding exon 2 of the CDKN2A gene, results from an insertion of one nucleotide at position 328, causing a translational frameshift with a predicted alternate stop codon (p.W110*). Of note, this alteration is also known as c.371_372insA in the p14(ARF) isoform. This variant is considered to be rare based on population cohorts in the Genome Aggregation Database (gnomAD). This alteration is expected to result in loss of function by premature protein truncation or nonsense-mediated mRNA decay. As such, this alteration is interpreted as a disease-causing mutation.